The following is an entry in ClinVar:

ClinVar aggregate classification (germline): Benign/Likely benign. Review status: criteria provided, multiple submitters, no conflicts (2 of 4 stars). 2 submissions from 2 submitters: Benign (1); Likely benign (1). Last evaluated 2025-03-24.

Conditions:
Hereditary cancer-predisposing syndrome. Also called: Hereditary Cancer Syndrome; Neoplastic Syndromes, Hereditary; Tumor predisposition; Hereditary neoplastic syndrome. Identifiers: Orphanet 140162, MedGen C0027672, MeSH D009386, MONDO:0015356.
Peutz-Jeghers syndrome (PJS). Also called: POLYPOSIS, HAMARTOMATOUS INTESTINAL; POLYPS-AND-SPOTS SYNDROME; Peutz-Jeghers polyposis; Periorificial lentiginosis syndrome. Identifiers: Orphanet 2869, MedGen C0031269, MeSH D010580, MONDO:0008280, OMIM 175200.

Allele frequency attached by ClinVar (database versions not stated): gnomAD exomes below 0.00001.
gnomAD v4.1: 3 of 1,601,376 alleles (0.00019%); highest among the groups gnomAD compares: African/African-American, 0.004%; no homozygotes.

Submissions (2):

Myriad Genetics, Inc.
Classification: Benign for Peutz-Jeghers syndrome. Last evaluated: 2025-03-24. Review status: criteria provided, single submitter. Criteria: Myriad Autosomal Dominant, Autosomal Recessive and X-Linked Classification Criteria (2023). Collection method: clinical testing. Allele origin: unknown.
Comment: This variant is considered benign. This variant is a silent/synonymous amino acid change and it is not expected to impact splicing.

Ambry Genetics
Classification: Likely benign for Hereditary cancer-predisposing syndrome. Last evaluated: 2015-07-07. Review status: criteria provided, single submitter. Criteria: Ambry Variant Classification Scheme 2023. Collection method: clinical testing. Allele origin: germline.

NM_000455.5(STK11):c.30C>A (p.Gly10=)

Gene: STK11 (serine/threonine kinase 11; plus strand). Cytogenetic location: 19p13.3.
Variant type: single nucleotide variant.
Coding change: c.30C>A on transcript NM_000455.5 (MANE Select); coding-DNA position 30, C replaced by A.
Protein change: p.Gly10=; no amino-acid change (glycine 10 retained).
Molecular consequence: synonymous variant.
Genome position (GRCh38, 1-based): chr19:1,206,943, C>A. VCF-style: chr19-1206943-C-A. GRCh37 (hg19) VCF-style: chr19-1206942-C-A.
Identifiers: ClinVar variation 232823 (VCV000232823.6), dbSNP rs876660012, ClinGen allele CA10580995.